The following is an entry in ClinVar:

NM_138395.4(MARS2):c.38C>T (p.Thr13Met)

Gene: MARS2 (methionyl-tRNA synthetase 2, mitochondrial; plus strand). Cytogenetic location: 2q33.1.
Variant type: single nucleotide variant.
Coding change: c.38C>T on transcript NM_138395.4 (MANE Select); coding-DNA position 38, C replaced by T.
Protein change: p.Thr13Met; replaces threonine 13 with methionine.
Molecular consequence: missense variant.
Genome position (GRCh38, 1-based): chr2:197,705,443, C>T. VCF-style: chr2-197705443-C-T. GRCh37 (hg19) VCF-style: chr2-198570167-C-T.
Other names: c.38C>T (NM_138395.3); short protein forms T13M.
Identifiers: ClinVar variation 2050884 (VCV002050884.4), dbSNP rs752147959, ClinGen allele CA2044495.
Genomic context (GRCh38, chr2:197,705,443, plus strand): 5'-TCCGCTTGCGGCCGGTCTGCACCATGCTGCGAACGTCCGTCCTCCGCCTGCTAGGACGCA[C>T]GGGGGCTAGTAGGCTGTCTCTCCTGGAGGACTTCGGCCCACGCTACTACAGTTCGGGCTC-3'
Protein context (NP_612404.1, residues 3-23): RTSVLRLLGR[Thr13Met]GASRLSLLED

ClinVar aggregate classification (germline): Uncertain significance. Review status: criteria provided, multiple submitters, no conflicts (2 of 4 stars). 2 submissions from 2 submitters: Uncertain significance (2). Last evaluated 2025-08-07.

Allele frequency attached by ClinVar (database versions not stated): ExAC 0.00001; gnomAD exomes 0.00009.
gnomAD v4.1: 140 of 1,612,130 alleles (0.0087%); highest among the groups gnomAD compares: Non-Finnish European, 0.011%; no homozygotes.

Submissions (2):

Ambry Genetics
Classification: Uncertain significance. Last evaluated: 2025-08-07. Review status: criteria provided, single submitter. Criteria: Ambry Variant Classification Scheme 2023. Collection method: clinical testing. Allele origin: germline.

Labcorp Genetics (formerly Invitae), Labcorp
Classification: Uncertain significance. Last evaluated: 2024-12-14. Review status: criteria provided, single submitter. Criteria: Invitae Variant Classification Sherloc (09022015). Collection method: clinical testing. Allele origin: germline.
Comment: This sequence change replaces threonine, which is neutral and polar, with methionine, which is neutral and non-polar, at codon 13 of the MARS2 protein (p.Thr13Met). This variant is present in population databases (rs752147959, gnomAD 0.004%). This variant has not been reported in the literature in individuals affected with MARS2-related conditions. ClinVar contains an entry for this variant (Variation ID: 2050884). An algorithm developed to predict the effect of missense changes on protein structure and function (PolyPhen-2) suggests that this variant is likely to be tolerated. In summary, the available evidence is currently insufficient to determine the role of this variant in disease. Therefore, it has been classified as a Variant of Uncertain Significance.